The following is an entry in ClinVar:

ClinVar aggregate classification (germline): Conflicting classifications of pathogenicity. Review status: criteria provided, conflicting classifications (1 of 4 stars). 4 submissions from 4 submitters: Uncertain significance (3); Likely benign (1). Last evaluated 2025-09-15.

Conditions:
Hereditary nonpolyposis colorectal neoplasms. Identifiers: MedGen C0009405, MeSH D003123.
Hereditary cancer-predisposing syndrome. Also called: Hereditary neoplastic syndrome; Tumor predisposition; Neoplastic Syndromes, Hereditary; Hereditary Cancer Syndrome. Identifiers: Orphanet 140162, MedGen C0027672, MeSH D009386, MONDO:0015356.

Allele frequency attached by ClinVar (database versions not stated): TOPMed below 0.00001.
gnomAD v4.1: 1 of 1,613,352 alleles (0.000062%); highest among the groups gnomAD compares: Non-Finnish European, 0.000085%; no homozygotes.

Submissions (4):

Quest Diagnostics Nichols Institute San Juan Capistrano
Classification: Uncertain significance. Last evaluated: 2025-09-15. Review status: criteria provided, single submitter. Criteria: Quest Diagnostics criteria. Collection method: clinical testing. Allele origin: unknown.
Comment: The PMS2 c.1204C>G (p.Gln402Glu) variant has been reported in the published literature in an individual with breast cancer (PMID: 33471991 (2021), see also LOVD). This variant has not been reported in large, multi-ethnic general populations (Genome Aggregation Database). Analysis of this variant using bioinformatics tools for the prediction of the effect of amino acid changes on protein structure and function yielded predictions that this variant is benign. Based on the available information, we are unable to determine the clinical significance of this variant.

Ambry Genetics
Classification: Likely benign for Hereditary cancer-predisposing syndrome. Last evaluated: 2024-11-27. Review status: criteria provided, single submitter. Criteria: Ambry Variant Classification Scheme 2023. Collection method: clinical testing. Allele origin: germline.

Labcorp Genetics (formerly Invitae), Labcorp
Classification: Uncertain significance for Hereditary nonpolyposis colorectal neoplasms. Last evaluated: 2023-06-19. Review status: criteria provided, single submitter. Criteria: Invitae Variant Classification Sherloc (09022015). Collection method: clinical testing. Allele origin: germline.
Comment: In summary, the available evidence is currently insufficient to determine the role of this variant in disease. Therefore, it has been classified as a Variant of Uncertain Significance. Advanced modeling of protein sequence and biophysical properties (such as structural, functional, and spatial information, amino acid conservation, physicochemical variation, residue mobility, and thermodynamic stability) performed at Invitae indicates that this missense variant is not expected to disrupt PMS2 protein function. ClinVar contains an entry for this variant (Variation ID: 420890). This variant has not been reported in the literature in individuals affected with PMS2-related conditions. This variant is not present in population databases (gnomAD no frequency). This sequence change replaces glutamine, which is neutral and polar, with glutamic acid, which is acidic and polar, at codon 402 of the PMS2 protein (p.Gln402Glu).

GeneDx
Classification: Uncertain significance. Last evaluated: 2016-04-09. Review status: criteria provided, single submitter. Criteria: GeneDx Variant Classification (06012015). Collection method: clinical testing. Allele origin: germline. Affected: yes.
Comment: This variant is denoted PMS2 c.1204C>G at the cDNA level, p.Gln402Glu (Q402E) at the protein level, and results in the change of a Glutamine to a Glutamic Acid (CAA>GAA). This variant has not, to our knowledge, been published in the literature as pathogenic or benign. PMS2 Gln402Glu was not observed in approximately 6,500 individuals of European and African American ancestry in the NHLBI Exome Sequencing Project, suggesting it is not a common benign variant in these populations. Since Glutamine and Glutamic Acid differ in some properties, this is considered a semi-conservative amino acid substitution. PMS2 Gln402Glu occurs at a position that is not conserved and is not located in a known functional domain (Fukui 2011). In silico analyses predict that this variant is unlikely to alter protein structure or function. Based on currently available evidence, it is unclear whether PMS2 Gln402Glu is a pathogenic or benign variant. We consider it to be a variant of uncertain significance.

Literature cited by the submitters: PubMed 33471991 (cited by Quest Diagnostics Nichols Institute San Juan Capistrano).

NM_000535.7(PMS2):c.1204C>G (p.Gln402Glu)

Gene: PMS2 (PMS1 homolog 2, mismatch repair system component; minus strand). Cytogenetic location: 7p22.1.
Variant type: single nucleotide variant.
Coding change: c.1204C>G on transcript NM_000535.7 (MANE Select); coding-DNA position 1204, C replaced by G.
Protein change: p.Gln402Glu; replaces glutamine 402 with glutamic acid.
Molecular consequence: missense variant. On other transcripts: non-coding transcript variant (1).
Genome position (GRCh38, 1-based): chr7:5,987,561, G>C on the plus strand (C>G on the coding strand, the complement: PMS2 is on the minus strand). VCF-style: chr7-5987561-G-C. GRCh37 (hg19) VCF-style: chr7-6027192-G-C.
Other names: c.799C>G, p.Gln267Glu (NM_001322003.2, NM_001322004.2, NM_001322005.2 and 1 more transcripts); c.1048C>G, p.Gln350Glu (NM_001322006.2); c.886C>G, p.Gln296Glu (NM_001322007.2, NM_001322008.2); c.643C>G, p.Gln215Glu (NM_001322010.2); c.271C>G, p.Gln91Glu (NM_001322011.2, NM_001322012.2); c.631C>G, p.Gln211Glu (NM_001322013.2); c.1204C>G, p.Gln402Glu (NM_001322014.2); c.895C>G, p.Gln299Glu (NM_001322015.2); and 1 more; short protein forms Q402E, Q267E, Q299E, Q215E, Q296E, Q350E, Q91E, Q211E.
Identifiers: ClinVar variation 420890 (VCV000420890.14), dbSNP rs587782789, ClinGen allele CA16618514.